The following is an entry in ClinVar:

ClinVar aggregate classification (germline): Pathogenic (0 of 4 stars; one submission).

Conditions:
Hypoglycemia. Identifiers: MedGen C0020615, MONDO:0004946, HP:0001943.
Encephalopathy. Also called: Unspecified encephalopathy. Identifiers: MedGen C0085584, HP:0001298.
Lactic acidosis. Identifiers: MedGen C0001125, MONDO:0006040, HP:0003128.
Abnormal brain morphology. Also called: Abnormality of brain morphology. Identifiers: MedGen C4021085, HP:0012443.
Decreased liver function. Identifiers: MedGen C0232744, HP:0001410.
Abnormal brain lactate level by MRS. Identifiers: MedGen C4476564, HP:0025045.
Global developmental delay (DD). Also called: Cognitive delay. Identifiers: MedGen C0557874, HP:0001263. Disease mechanism: loss of function.
Fetal growth restriction (IUGR). Also called: Intrauterine growth retardation; Intrauterine growth restriction; Intra uterine growth retardation. Identifiers: MedGen C0015934, MONDO:0005030, HP:0001511.

Submission:

Institut IMAGINE, Institut National de la Sante et de la Recherche Medicale
Classification: Pathogenic for Fetal growth restriction; Hypoglycemia; Lactic acidosis; Decreased liver function; Global developmental delay; Encephalopathy; Abnormal brain morphology; Abnormal brain lactate level by MRS. Last evaluated: 2024-10-24. Review status: no assertion criteria provided. Collection method: clinical testing. Allele origin: paternal. Inheritance: Autosomal recessive inheritance. Affected: yes. Observed: 1 compound heterozygote.
Comment: This variant is compound heterozygous with a large deletion at CHCHD4 locus. It was absent from large population studies. Additionally, in vitro functional studies indicate that the p.Ser2Phe variant disrupts mitochondrial respiratory chain function and assembly (Mantecon et al, submitted) and over-expression of wild-type CHCHD4 cDNA rescued this biochemical phenotype. In summary, the p.Ser2Phe variant meets our criteria to be classified as pathogenic based upon segregation studies, absence from controls, and functional evidence.

NM_001098502.2(CHCHD4):c.5C>T (p.Ser2Phe)

Gene: CHCHD4 (coiled-coil-helix-coiled-coil-helix domain containing 4; minus strand). Cytogenetic location: 3p25.1.
Variant type: single nucleotide variant.
Coding change: c.5C>T on transcript NM_001098502.2 (MANE Select); coding-DNA position 5, C replaced by T.
Protein change: p.Ser2Phe; replaces serine 2 with phenylalanine.
Molecular consequence: missense variant. On other transcripts: 5 prime UTR variant (1).
Genome position (GRCh38, 1-based): chr3:14,124,672, G>A on the plus strand (C>T on the coding strand, the complement: CHCHD4 is on the minus strand). VCF-style: chr3-14124672-G-A. GRCh37 (hg19) VCF-style: chr3-14166172-G-A.
Other names: c.-127C>T (NM_144636.3); short protein forms S2F.
Identifiers: ClinVar variation 4795219 (VCV004795219.1).